The following is an entry in ClinVar:

NM_000069.3(CACNA1S):c.4591G>A (p.Glu1531Lys)

Gene: CACNA1S (calcium voltage-gated channel subunit alpha1 S; minus strand). Cytogenetic location: 1q32.1.
Variant type: single nucleotide variant.
Coding change: c.4591G>A on transcript NM_000069.3 (MANE Select); coding-DNA position 4591, G replaced by A.
Protein change: p.Glu1531Lys; replaces glutamic acid 1531 with lysine.
Molecular consequence: missense variant.
Genome position (GRCh38, 1-based): chr1:201,047,192, C>T on the plus strand (G>A on the coding strand, the complement: CACNA1S is on the minus strand). VCF-style: chr1-201047192-C-T. GRCh37 (hg19) VCF-style: chr1-201016320-C-T.
Other names: short protein forms E1531K.
Identifiers: ClinVar variation 3075292 (VCV003075292.1), dbSNP rs765917408, ClinGen allele CA344142201.
Genomic context (GRCh38, chr1:201,047,192, plus strand): 5'-CCTTCTTGGGCCGATAGCCATAATACTCCTCTTGGCGTTTCATGAACTTCCGGAAGTGCT[C>T]CTGGATGAGGAATGTGGCGTAGAACTTCCCCACTGTCACCTCATCATCTGCAGAGGAGCC-3'
Protein context (NP_000060.2, residues 1521-1541): GKFYATFLIQ[Glu1531Lys]HFRKFMKRQE

ClinVar aggregate classification (germline): Uncertain significance (1 of 4 stars; one submission).

Conditions:
Malignant hyperthermia, susceptibility to, 5 (MHS5). Also called: CACNA1S-Related Malignant Hyperthermia Susceptibility. Identifiers: Orphanet 423, MedGen C1866077, MONDO:0011163, OMIM 601887.

Allele frequency attached by ClinVar (database versions not stated): gnomAD exomes below 0.00001.
gnomAD v4.1: 1 of 1,614,160 alleles (0.000062%); highest among the groups gnomAD compares: South Asian, 0.0011%; no homozygotes.

Submission:

All of Us Research Program, National Institutes of Health
Classification: Uncertain significance for Malignant hyperthermia, susceptibility to, 5. Last evaluated: 2024-01-08. Review status: criteria provided, single submitter. Criteria: ACMG Guidelines, 2015. Collection method: clinical testing. Allele origin: germline. Inheritance: Autosomal dominant inheritance. Observed: 1 variant allele, 1 heterozygote.
Comment: This missense variant replaces glutamic acid with lysine at codon 1531 of the CACNA1S protein. Computational prediction suggests that this variant may not impact protein structure and function (internally defined REVEL score threshold <= 0.5, PMID: 27666373). To our knowledge, functional studies have not been reported for this variant. This variant has not been reported in individuals affected with CACNA1S-related disorders in the literature. This variant has been identified in 1/251492 chromosomes in the general population by the Genome Aggregation Database (gnomAD). The available evidence is insufficient to determine the role of this variant in disease conclusively. Therefore, this variant is classified as a Variant of Uncertain Significance.

This study involves interpretation of variants in research participants for the purpose of population health screening. Participant phenotype was not available at the time of variant classification. Additional details can be found in publication PMID: 35346344, PMCID: PMC8962531